The following is an entry in ClinVar:

NM_004247.4(EFTUD2):c.1081C>T (p.Pro361Ser)

Gene: EFTUD2 (elongation factor Tu GTP binding domain containing 2; minus strand). Cytogenetic location: 17q21.31.
Variant type: single nucleotide variant.
Coding change: c.1081C>T on transcript NM_004247.4 (MANE Select); coding-DNA position 1081, C replaced by T.
Protein change: p.Pro361Ser; replaces proline 361 with serine.
Molecular consequence: missense variant.
Genome position (GRCh38, 1-based): chr17:44,867,875, G>A on the plus strand (C>T on the coding strand, the complement: EFTUD2 is on the minus strand). VCF-style: chr17-44867875-G-A. GRCh37 (hg19) VCF-style: chr17-42945243-G-A.
Other names: c.976C>T, p.Pro326Ser (NM_001142605.2); c.1081C>T, p.Pro361Ser (NM_001258353.2); c.1051C>T, p.Pro351Ser (NM_001258354.2); c.1081C>T (NM_004247.3); short protein forms P326S, P351S, P361S.
Identifiers: ClinVar variation 4770666 (VCV004770666.2).

ClinVar aggregate classification (germline): Uncertain significance. Review status: criteria provided, multiple submitters, no conflicts (2 of 4 stars). 2 submissions from 2 submitters: Uncertain significance (2). Last evaluated 2026-07-14.

Conditions:
Inborn genetic diseases. Identifiers: MedGen C0950123, MeSH D030342.

gnomAD v4.1: 1 of 1,601,804 alleles (0.000062%); highest among the groups gnomAD compares: Non-Finnish European, 0.000085%; no homozygotes.

Submissions (2):

Ambry Genetics
Classification: Uncertain significance for Inborn genetic diseases. Last evaluated: 2026-07-14. Review status: criteria provided, single submitter. Criteria: Ambry Variant Classification Scheme 2023. Collection method: clinical testing. Allele origin: germline.

Labcorp Genetics (formerly Invitae), Labcorp
Classification: Uncertain significance. Last evaluated: 2025-12-01. Review status: criteria provided, single submitter. Criteria: Invitae Variant Classification Sherloc (09022015). Collection method: clinical testing. Allele origin: germline.
Comment: This sequence change replaces proline, which is neutral and non-polar, with serine, which is neutral and polar, at codon 361 of the EFTUD2 protein (p.Pro361Ser). This variant is not present in population databases (gnomAD no frequency). This variant has not been reported in the literature in individuals affected with EFTUD2-related conditions. Invitae Evidence Modeling of protein sequence and biophysical properties (such as structural, functional, and spatial information, amino acid conservation, physicochemical variation, residue mobility, and thermodynamic stability) indicates that this missense variant is not expected to disrupt EFTUD2 protein function with a negative predictive value of 80%. In summary, the available evidence is currently insufficient to determine the role of this variant in disease. Therefore, it has been classified as a Variant of Uncertain Significance.